The following is an entry in ClinVar:

ClinVar aggregate classification (germline): Pathogenic. Review status: criteria provided, multiple submitters, no conflicts (2 of 4 stars). 7 submissions from 7 submitters: Pathogenic (6). 1 of the submissions does not count toward it. Last evaluated 2026-01-11.

Conditions:
Polycystic kidney disease 4 (PKD4). Also called: PKD3; POLYCYSTIC KIDNEY AND HEPATIC DISEASE 1; POLYCYSTIC KIDNEY DISEASE, INFANTILE, TYPE I; POLYCYSTIC KIDNEY DISEASE 4 WITH OR WITHOUT POLYCYSTIC LIVER DISEASE; Autosomal Recessive Polycystic Kidney Disease – PKHD1. Identifiers: MedGen C4540575, MONDO:0033004, OMIM 263200.
Autosomal recessive polycystic kidney disease (ARPKD). Also called: AR polycystic kidney disease. Identifiers: Orphanet 731, Orphanet 8378, MedGen C0085548, MeSH D017044, MONDO:0009889.

Allele frequency attached by ClinVar (database versions not stated): gnomAD exomes below 0.00001 and 0.00001; TOPMed below 0.00001; gnomAD 0.00001.
gnomAD v4.1: 19 of 1,613,564 alleles (0.0012%); highest among the groups gnomAD compares: Non-Finnish European, 0.0015%; no homozygotes.

Submissions (7):

Labcorp Genetics (formerly Invitae), Labcorp
Classification: Pathogenic for Autosomal recessive polycystic kidney disease. Last evaluated: 2026-01-11. Review status: criteria provided, single submitter. Criteria: Invitae Variant Classification Sherloc (09022015). Collection method: clinical testing. Allele origin: germline.
Comment: This sequence change creates a premature translational stop signal (p.Arg2942*) in the PKHD1 gene. It is expected to result in an absent or disrupted protein product. Loss-of-function variants in PKHD1 are known to be pathogenic (PMID: 19940839). This variant is present in population databases (rs398124500, gnomAD 0.002%). This premature translational stop signal has been observed in individual(s) with polycystic kidney disease (PMID: 19940839). ClinVar contains an entry for this variant (Variation ID: 96439). For these reasons, this variant has been classified as Pathogenic.

3billion
Classification: Pathogenic for Polycystic kidney disease 4. Last evaluated: 2026-01-06. Review status: criteria provided, single submitter. Criteria: ACMG Guidelines, 2015. Collection method: clinical testing. Allele origin: germline. Affected: yes.
Comment: The variant is observed at an extremely low frequency in the gnomAD v4.1.0 dataset (total allele frequency: 0.001%). Predicted Consequence/Location: Stop-gained (nonsense): predicted to result in a loss or disruption of normal protein function through nonsense-mediated decay (NMD) or protein truncation. Multiple pathogenic variants are reported downstream of the variant. The variant has been reported at least twice as pathogenic with clinical assertions and evidence for the classification (ClinVar ID: VCV000096439 /PMID: 19940839). Therefore, this variant is classified as Pathogenic according to the recommendation of ACMG/AMP guideline.

Natera, Inc.
Classification: Pathogenic for Autosomal recessive polycystic kidney disease. Last evaluated: 2025-09-11. Review status: criteria provided, single submitter. Criteria: Natera Variant Classification Schema (03/2026). Collection method: clinical testing. Allele origin: germline.
Comment: The c.8824C>T variant in PKHD1 is a nonsense variant predicted to introduce a stop codon at amino acid 2942. This variant is expected to result in nonsense mediated decay, truncation, or a dysfunctional protein product. This variant is rare in the general population with a frequency below the threshold expected for the associated phenotype(s). This variant has been observed in one or more individuals affected with the associated recessive disease, as either homozygous or compound heterozygous with a second variant (PMID: 19940839, 32939031). Given the available evidence, this variant is classified as Pathogenic.

Women's Health and Genetics/Laboratory Corporation of America, LabCorp
Classification: Pathogenic for Autosomal recessive polycystic kidney disease. Last evaluated: 2022-05-27. Review status: criteria provided, single submitter. Criteria: LabCorp Variant Classification Summary - May 2015. Collection method: clinical testing. Allele origin: germline.
Comment: Variant summary: PKHD1 c.8824C>T (p.Arg2942X) results in a premature termination codon, predicted to cause a truncation of the encoded protein or absence of the protein due to nonsense mediated decay, which are commonly known mechanisms for disease. Truncations downstream of this position have been classified as pathogenic by our laboratory. The variant allele was found at a frequency of 4e-06 in 250982 control chromosomes. c.8824C>T has been reported in the literature in individuals affected with Polycystic Kidney And Hepatic Disease. These data indicate that the variant may be associated with disease. Four clinical diagnostic laboratories have submitted clinical-significance assessments for this variant to ClinVar after 2014 without evidence for independent evaluation. All laboratories classified the variant as pathogenic/likely pathogenic. Based on the evidence outlined above, the variant was classified as pathogenic.

Victorian Clinical Genetics Services, Murdoch Childrens Research Institute
Classification: Pathogenic for Polycystic kidney disease 4. Last evaluated: 2018-11-23. Review status: criteria provided, single submitter. Criteria: ACMG Guidelines, 2015. Collection method: clinical testing. Allele origin: unknown. Affected: yes.
Comment: A heterozygous nonsense variant, NM_138694.3(PKHD1):c.8824C>T, has been identified in exon 57 of 67 of the PKHD1 gene. The variant is predicted to result in a premature stop codon at position 2942 of the protein (NP_619639.3(PKHD1):p.(Arg2942*)). This variant is predicted to result in loss of protein function through nonsense mediated decay, which is a reported mechanism of pathogenicity for this gene. The variant is present in the gnomAD database at a frequency of 0.0007% (2 heterozygotes, 0 homozygotes). It has been previously described as pathogenic in patients with Polycystic kidney disease (ClinVar, Denamur, E et al (2010)). And many other pathogenic LoF variants in the region have also been reported (ClinVar). Based on the information available at the time of curation, this variant has been classified as PATHOGENIC.

Eurofins Ntd Llc (ga)
Classification: Pathogenic. Last evaluated: 2012-08-30. Review status: criteria provided, single submitter. Criteria: EGL Classification Definitions. Collection method: clinical testing. Allele origin: germline. Observed: 1 variant allele, 1 heterozygote.

Counsyl
Classification: Likely pathogenic for Polycystic kidney disease, infantile type. Last evaluated: 2015-01-16. Review status: no assertion criteria provided. Collection method: literature only. Allele origin: unknown. Inheritance: Autosomal recessive inheritance. Not counted in ClinVar's aggregate classification.

Literature cited by the submitters: PubMed 19940839 (cited by 5 submitters); PubMed 32939031 (cited by Natera, Inc. and Women's Health and Genetics/Laboratory Corporation of America, LabCorp).

NM_138694.4(PKHD1):c.8824C>T (p.Arg2942Ter)

Gene: PKHD1 (PKHD1 ciliary IPT domain containing fibrocystin/polyductin; minus strand). Cytogenetic location: 6p12.3.
Variant type: single nucleotide variant.
Coding change: c.8824C>T on transcript NM_138694.4 (MANE Select); coding-DNA position 8824, C replaced by T.
Protein change: p.Arg2942Ter; replaces arginine 2942 with a stop codon.
Molecular consequence: nonsense.
Genome position (GRCh38, 1-based): chr6:51,753,327, G>A on the plus strand (C>T on the coding strand, the complement: PKHD1 is on the minus strand). VCF-style: chr6-51753327-G-A. GRCh37 (hg19) VCF-style: chr6-51618125-G-A.
Other names: c.8824C>T, p.Arg2942Ter (NM_170724.3); short protein forms R2942*.
Identifiers: ClinVar variation 96439 (VCV000096439.26), dbSNP rs398124500, ClinGen allele CA224108.
Genomic context (GRCh38, chr6:51,753,327, plus strand): 5'-CAGGCTGAATTTGTATATTTCGGGTCAACAGTCCAACCTCAGCAGCCAAACGAATGTGTC[G>A]GCCATCCTCCGTGACATGTACACTTCCTGGGGCAATAGGAGTTGTGGGAAAAAAAAACTT-3'